The following is an entry in ClinVar:

ClinVar aggregate classification (germline): Uncertain significance (1 of 4 stars; one submission).

Conditions:
Periventricular nodular heterotopia 7 (PVNH7). Identifiers: MedGen C4310669, MONDO:0014966, OMIM 617201.

Allele frequency attached by ClinVar (database versions not stated): gnomAD exomes below 0.00001.
gnomAD v4.1: 2 of 1,589,608 alleles (0.00013%); highest among the groups gnomAD compares: Non-Finnish European, 0.00017%; no homozygotes.

Submission:

Molecular Genetics, Royal Melbourne Hospital
Classification: Uncertain significance for Periventricular nodular heterotopia 7. Last evaluated: 2024-01-05. Review status: criteria provided, single submitter. Criteria: ACMG Guidelines, 2015. Collection method: clinical testing. Allele origin: germline. Inheritance: Autosomal dominant inheritance.
Comment: This sequence change in NEDD4L is predicted to replace histidine with proline at codon 569, p.(His569Pro). The histidine residue is highly conserved (100 vertebrates, Multiz Alignments), and is located in the WW domain containing a region, amino acids 554-570, that is highly constrained to missense variation (Metadome Constraint <0.2). There is a moderate physicochemical difference between histidine and proline. The highest population minor allele frequency in the population database gnomAD v4.0 is 0.0002% (2/1,098,880 alleles) in the European non-Finnish population. To our knowledge, this variant has not been previously reported in the relevant scientific literature or databases. Computational evidence predicts a deleterious effect for the missense substitution (REVEL = 0.919). Based on the classification scheme RMH Modified ACMG/AMP Guidelines v1.6.1, this variant is classified as a VARIANT OF UNCERTAIN SIGNIFICANCE. Following criteria are met: PM1, PP3

NM_001144967.3(NEDD4L):c.1706A>C (p.His569Pro)

Gene: NEDD4L (NEDD4 like E3 ubiquitin protein ligase; plus strand). Cytogenetic location: 18q21.31.
Variant type: single nucleotide variant.
Coding change: c.1706A>C on transcript NM_001144967.3 (MANE Select); coding-DNA position 1706, A replaced by C.
Protein change: p.His569Pro; replaces histidine 569 with proline.
Molecular consequence: missense variant.
Genome position (GRCh38, 1-based): chr18:58,351,043, A>C. VCF-style: chr18-58351043-A-C. GRCh37 (hg19) VCF-style: chr18-56018275-A-C.
Other names: c.1343A>C, p.His448Pro (NM_001144964.1, NM_001144965.2, NM_001144966.3); c.1682A>C, p.His561Pro (NM_001144968.2); c.1622A>C, p.His541Pro (NM_001144969.2); c.1283A>C, p.His428Pro (NM_001144970.3, NM_001144971.2); c.1514A>C, p.His505Pro (NM_001243960.2); c.1646A>C, p.His549Pro (NM_015277.6); short protein forms H428P, H448P, H505P, H541P, H549P, H561P, H569P.
Identifiers: ClinVar variation 3068565 (VCV003068565.1), dbSNP rs1358411238, ClinGen allele CA402541050.